The following is an entry in ClinVar:

NM_000064.4(C3):c.3489C>T (p.Asn1163=)

Gene: C3 (complement C3; minus strand). Cytogenetic location: 19p13.3.
Variant type: single nucleotide variant.
Coding change: c.3489C>T on transcript NM_000064.4 (MANE Select); coding-DNA position 3489, C replaced by T.
Protein change: p.Asn1163=; no amino-acid change (asparagine 1163 retained).
Molecular consequence: synonymous variant.
Genome position (GRCh38, 1-based): chr19:6,690,629, G>A on the plus strand (C>T on the coding strand, the complement: C3 is on the minus strand). VCF-style: chr19-6690629-G-A. GRCh37 (hg19) VCF-style: chr19-6690640-G-A.
Identifiers: ClinVar variation 1416280 (VCV001416280.10), dbSNP rs375600369, ClinGen allele CA9128722.
Genomic context (GRCh38, chr19:6,690,629, plus strand): 5'-AGGTGGCTGTGCTCTGCATCGGGTAAGGTAGGGTAGGGTGGGAAGATGGAGGGCACTTAC[G>A]TTGACCTGCTCCTCGCAAATATCTTTAGCCTCCTGCAGCGAGATGAGAACAAAGGCCGTG-3'
Protein context (NP_000055.2, residues 1153-1173): EAKDICEEQV[Asn1163=]SLPGSITKAG

ClinVar aggregate classification (germline): Conflicting classifications of pathogenicity. Review status: criteria provided, conflicting classifications (1 of 4 stars). 3 submissions from 3 submitters: Uncertain significance (2); Likely benign (1). Last evaluated 2026-01-17.

Allele frequency attached by ClinVar (database versions not stated): gnomAD 0.00004 and 0.00005; TOPMed 0.00007; ESP Exome Variant Server 0.00008; gnomAD exomes 0.00009 and 0.00010; ExAC 0.00012.
gnomAD v4.1: 168 of 1,613,304 alleles (0.01%); highest among the groups gnomAD compares: Admixed American, 0.013%; no homozygotes.

Submissions (3):

Labcorp Genetics (formerly Invitae), Labcorp
Classification: Uncertain significance. Last evaluated: 2026-01-17. Review status: criteria provided, single submitter. Criteria: Invitae Variant Classification Sherloc (09022015). Collection method: clinical testing. Allele origin: germline.
Comment: This sequence change affects codon 1163 of the C3 mRNA. It is a 'silent' change, meaning that it does not change the encoded amino acid sequence of the C3 protein. It affects a nucleotide within the consensus splice site. This variant is present in population databases (rs375600369, gnomAD 0.02%). This variant has not been reported in the literature in individuals affected with C3-related conditions. ClinVar contains an entry for this variant (Variation ID: 1416280). Algorithms developed to predict the effect of sequence changes on RNA splicing suggest that this variant is not likely to affect RNA splicing. In summary, the available evidence is currently insufficient to determine the role of this variant in disease. Therefore, it has been classified as a Variant of Uncertain Significance.

Blueprint Genetics
Classification: Likely benign. Last evaluated: 2023-12-06. Review status: criteria provided, single submitter. Criteria: ACMG Guidelines, 2015. Collection method: clinical testing. Allele origin: germline.

Breakthrough Genomics
Classification: Uncertain significance. Review status: criteria provided, single submitter. Criteria: ACMG Guidelines, 2015. Collection method: not provided. Allele origin: germline. Inheritance: Autosomal recessive inheritance. Affected: yes.